The following is an entry in ClinVar:

ClinVar aggregate classification (germline): Uncertain significance (1 of 4 stars; one submission).

Submission:

CeGaT Center for Human Genetics Tuebingen
Classification: Uncertain significance. Last evaluated: 2025-03-01. Review status: criteria provided, single submitter. Criteria: CeGaT Center For Human Genetics Tuebingen Variant Classification Criteria Version 2. Collection method: clinical testing. Allele origin: germline. Affected: yes. Observed: 1 variant allele.
Comment: FKRP: PM2, PP3

NM_024301.5(FKRP):c.627C>A (p.Asn209Lys)

Gene: FKRP (fukutin related protein; plus strand). Cytogenetic location: 19q13.32.
Variant type: single nucleotide variant.
Coding change: c.627C>A on transcript NM_024301.5 (MANE Select); coding-DNA position 627, C replaced by A.
Protein change: p.Asn209Lys; replaces asparagine 209 with lysine.
Molecular consequence: missense variant.
Genome position (GRCh38, 1-based): chr19:46,756,077, C>A. VCF-style: chr19-46756077-C-A. GRCh37 (hg19) VCF-style: chr19-47259334-C-A.
Other names: c.627C>A, p.Asn209Lys (NM_001039885.3); short protein forms N209K.
Identifiers: ClinVar variation 3778536 (VCV003778536.7).
Genomic context (GRCh38, chr19:46,756,077, plus strand): 5'-CCGCTGCGACGCCCTGGACGGAGATGCTGTGGTGCTCCTGCGCGCCCGCGACCTCTTCAA[C>A]CTCTCGGCGCCCCTGGCCCGGCCGGTGGGCACCAGCCTCTTTCTGCAGACCGCCCTTCGC-3'
Protein context (NP_077277.1, residues 199-219): VVLLRARDLF[Asn209Lys]LSAPLARPVG